The following is an entry in ClinVar:

NM_001447.3(FAT2):c.4789+3G>A

Genes: FAT2 (FAT atypical cadherin 2; minus strand), SLC36A1 (solute carrier family 36 member 1; plus strand). Cytogenetic location: 5q33.1.
Variant type: single nucleotide variant.
Coding change: c.4789+3G>A on transcript NM_001447.3 (MANE Select); 3 bases into the intron after coding-DNA position 4789, G replaced by A.
Molecular consequence: intron variant.
Genome position (GRCh38, 1-based): chr5:151,549,292, C>T on the plus strand (G>A on the coding strand, the complement: FAT2 is on the minus strand). VCF-style: chr5-151549292-C-T. GRCh37 (hg19) VCF-style: chr5-150928853-C-T.
Identifiers: ClinVar variation 3771940 (VCV003771940.13).
Genomic context (GRCh38, chr5:151,549,292, plus strand): 5'-GTGCTTTCCTTTATTTCTAAAGCATCTTGACCCATCCTCTGAGCTCATGGCCAGGCCTCT[C>T]ACCTTTCAGGAGGGAGTAGTGGACCTCAGCATTGACTCCCCGGTCAGCATCCATGGCTCG-3'

ClinVar aggregate classification (germline): Uncertain significance (1 of 4 stars; one submission).

gnomAD v4.1: 3 of 1,612,246 alleles (0.00019%); highest among the groups gnomAD compares: Non-Finnish European, 0.00025%; no homozygotes.

Submission:

CeGaT Center for Human Genetics Tuebingen
Classification: Uncertain significance. Last evaluated: 2024-06-01. Review status: criteria provided, single submitter. Criteria: CeGaT Center For Human Genetics Tuebingen Variant Classification Criteria Version 2. Collection method: clinical testing. Allele origin: germline. Affected: yes. Observed: 1 variant allele.
Comment: FAT2: PM2, BP4